The following is an entry in ClinVar:

ClinVar aggregate classification (germline): Uncertain significance (1 of 4 stars; one submission).

Allele frequency attached by ClinVar (database versions not stated): ExAC 0.00002; gnomAD exomes 0.00002; gnomAD 0.00003 and 0.00004; TOPMed 0.00003.
gnomAD v4.1: 30 of 1,613,296 alleles (0.0019%); highest among the groups gnomAD compares: Non-Finnish European, 0.0025%; no homozygotes.

Submission:

Labcorp Genetics (formerly Invitae), Labcorp
Classification: Uncertain significance. Last evaluated: 2025-12-28. Review status: criteria provided, single submitter. Criteria: Invitae Variant Classification Sherloc (09022015). Collection method: clinical testing. Allele origin: germline.
Comment: This sequence change falls in intron 2 of the AP3D1 gene. It does not directly change the encoded amino acid sequence of the AP3D1 protein. It affects a nucleotide within the consensus splice site. This variant is present in population databases (rs773738974, gnomAD 0.006%). This variant has not been reported in the literature in individuals affected with AP3D1-related conditions. ClinVar contains an entry for this variant (Variation ID: 1361051). Variants that disrupt the consensus splice site are a relatively common cause of aberrant splicing (PMID: 17576681, 9536098). Algorithms developed to predict the effect of sequence changes on RNA splicing suggest that this variant is not likely to affect RNA splicing. In summary, the available evidence is currently insufficient to determine the role of this variant in disease. Therefore, it has been classified as a Variant of Uncertain Significance.

Literature cited by the submitters: PubMed 17576681; PubMed 9536098.

NM_001261826.3(AP3D1):c.192+3A>G

Gene: AP3D1 (adaptor related protein complex 3 subunit delta 1; minus strand). Cytogenetic location: 19p13.3.
Variant type: single nucleotide variant.
Coding change: c.192+3A>G on transcript NM_001261826.3 (MANE Select); 3 bases into the intron after coding-DNA position 192, A replaced by G.
Molecular consequence: intron variant.
Genome position (GRCh38, 1-based): chr19:2,138,616, T>C on the plus strand (A>G on the coding strand, the complement: AP3D1 is on the minus strand). VCF-style: chr19-2138616-T-C. GRCh37 (hg19) VCF-style: chr19-2138615-T-C.
Other names: c.192+3A>G (NM_003938.8, NM_001374799.1).
Identifiers: ClinVar variation 1361051 (VCV001361051.6), dbSNP rs773738974, ClinGen allele CA9059842.
Genomic context (GRCh38, chr19:2,138,616, plus strand): 5'-GACACGTGCTGAGTGGAGAAGCAGCCCGACAGTGCTGGGCGCTGGCCACTGGGAGGCACT[T>C]ACATACGTCAGCTTGCAGACCGCGTTCGCCTTCACCGCTATGTTGTCCTGCTTCAGCTCC-3'